The following is an entry in ClinVar:

ClinVar aggregate classification (germline): Uncertain significance. Review status: criteria provided, multiple submitters, no conflicts (2 of 4 stars). 5 submissions from 5 submitters: Uncertain significance (4). 1 of the submissions does not count toward it. Last evaluated 2024-08-23.

Conditions:
Anauxetic dysplasia. Identifiers: Orphanet 93347, MedGen C1846796, MONDO:0011773.
Metaphyseal chondrodysplasia, McKusick type (CHH). Also called: Cartilage-hair hypoplasia; Cartilage-Hair Hypoplasia (CHH). Identifiers: Orphanet 175, MedGen C0220748, MONDO:0009595, OMIM 250250.

Allele frequency attached by ClinVar (database versions not stated): gnomAD 0.00002; gnomAD exomes 0.00004 and 0.00009; TOPMed 0.00005; ExAC 0.00010.
gnomAD v4.1: 49 of 695,804 alleles (0.007%); highest among the groups gnomAD compares: Non-Finnish European, 0.011%; no homozygotes.

Submissions (5):

Blueprint Genetics
Classification: Uncertain significance. Last evaluated: 2024-08-23. Review status: criteria provided, single submitter. Criteria: ACMG Guidelines, 2015. Collection method: clinical testing. Allele origin: germline.

Labcorp Genetics (formerly Invitae), Labcorp
Classification: Uncertain significance for Anauxetic dysplasia. Last evaluated: 2024-01-02. Review status: criteria provided, single submitter. Criteria: Invitae Variant Classification Sherloc (09022015). Collection method: clinical testing. Allele origin: germline.
Comment: This variant occurs in the RMRP gene, which encodes an RNA molecule that does not result in a protein product. This variant is present in population databases (rs772664375, gnomAD 0.01%). This variant has not been reported in the literature in individuals affected with RMRP-related conditions. ClinVar contains an entry for this variant (Variation ID: 967428). Experimental studies and prediction algorithms are not available or were not evaluated, and the functional significance of this variant is currently unknown. In summary, the available evidence is currently insufficient to determine the role of this variant in disease. Therefore, it has been classified as a Variant of Uncertain Significance.

Laboratory of Inherited Metabolic Diseases, Research centre for medical genetics
Classification: Uncertain significance for Metaphyseal chondrodysplasia, McKusick type. Last evaluated: 2022-04-01. Review status: criteria provided, single submitter. Criteria: ACMG Guidelines, 2015. Collection method: clinical testing. Allele origin: inherited. Affected: yes. Observed: 1 variant allele.

Undiagnosed Diseases Network, NIH
Classification: Uncertain significance for Metaphyseal chondrodysplasia, McKusick type. Last evaluated: 2021-06-03. Review status: criteria provided, single submitter. Criteria: ACMG Guidelines, 2015. Collection method: clinical testing. Allele origin: paternal. Inheritance: Autosomal recessive inheritance. Affected: yes. Observed: 1 variant allele, 1 compound heterozygote. Study: Undiagnosed Diseases Network (NIH), UDN.

Natera, Inc.
Classification: Uncertain significance for Cartilage-hair hypoplasia. Last evaluated: 2020-01-17. Review status: no assertion criteria provided. Collection method: clinical testing. Allele origin: germline. Not counted in ClinVar's aggregate classification.

NR_003051.4(RMRP):n.17C>T

Gene: RMRP (RNA component of mitochondrial RNA processing endoribonuclease; minus strand). Cytogenetic location: 9p13.3.
Variant type: single nucleotide variant.
Genome position: GRCh38 VCF-style: chr9-35658003-G-A. GRCh37 (hg19) VCF-style: chr9-35658000-G-A.
Identifiers: ClinVar variation 967428 (VCV000967428.13), dbSNP rs772664375, ClinGen allele CA5045866.
Genomic context (GRCh38, chr9:35,658,003, plus strand): 5'-GACTTTCCCCTAGGCGGAAAGGGGAGGAACAGAGTCCTCAGTGTGTAGCCTAGGATACAG[G>A]CCTTCAGCACGAACCACGTCCTCAGCTTCACAGAGTAGTATTTTATAGCCCTAAAGAAAT-3'